The following is an entry in ClinVar:

NM_001267550.2(TTN):c.18843A>G (p.Ser6281=)

Genes: TTN (titin; minus strand), LOC126806430 (BRD4-independent group 4 enhancer GRCh37_chr2:179593794-179594993; plus strand). Cytogenetic location: 2q31.2.
Variant type: single nucleotide variant.
Coding change: c.18843A>G on transcript NM_001267550.2 (MANE Select); coding-DNA position 18843, A replaced by G.
Protein change: p.Ser6281=; no amino-acid change (serine 6281 retained).
Molecular consequence: synonymous variant. On other transcripts: intron variant (3).
Genome position (GRCh38, 1-based): chr2:178,729,313, T>C on the plus strand (A>G on the coding strand, the complement: TTN is on the minus strand). VCF-style: chr2-178729313-T-C. GRCh37 (hg19) VCF-style: chr2-179594040-T-C.
Other names: p.Ser5037=; c.17892A>G, p.Ser5964= (NM_001256850.1); c.15111A>G, p.Ser5037= (NM_133378.4); c.13282+8769A>G (NM_003319.4); c.13858+8769A>G (NM_133437.4); c.13657+8769A>G (NM_133432.3).
Identifiers: ClinVar variation 698334 (VCV000698334.14), dbSNP rs755958191, ClinGen allele CA2001530.
Genomic context (GRCh38, chr2:178,729,313, plus strand): 5'-TTTTTATTTGATAGGCTGCTTCTTGTATAACTGACCTTTCAGGGCAACTCTAGTACTGCA[T>C]GAGCAGCTGCCGCCTTCATTGGATACAATGCACTGGTATTCCCCAGTGTCTGAAGGGTCA-3'
Protein context (NP_001254479.2, residues 6271-6291): CIVSNEGGSC[Ser6281=]CSTRVALKEP

ClinVar aggregate classification (germline): Likely benign. Review status: criteria provided, multiple submitters, no conflicts (2 of 4 stars). 4 submissions from 4 submitters: Likely benign (4). Last evaluated 2025-07-02.

Conditions:
Autosomal recessive limb-girdle muscular dystrophy type 2J (LGMDR10). Also called: MUSCULAR DYSTROPHY, LIMB-GIRDLE, AUTOSOMAL RECESSIVE 10; Limb-girdle muscular dystrophy, type 2J. Identifiers: Orphanet 140922, MedGen C1837342, MONDO:0012127, OMIM 608807.
Dilated cardiomyopathy 1G (CMD1G). Identifiers: Orphanet 154, MedGen C1858763, MONDO:0011400, OMIM 604145.

Allele frequency attached by ClinVar (database versions not stated): TOPMed 0.00001; ExAC 0.00004; gnomAD exomes 0.00004; gnomAD 0.00007 and 0.00008.
gnomAD v4.1: 54 of 1,611,482 alleles (0.0034%); highest among the groups gnomAD compares: Non-Finnish European, 0.0032%; no homozygotes.

Submissions (4):

Labcorp Genetics (formerly Invitae), Labcorp
Classification: Likely benign for Dilated cardiomyopathy 1G; Autosomal recessive limb-girdle muscular dystrophy type 2J. Last evaluated: 2025-07-02. Review status: criteria provided, single submitter. Criteria: Invitae Variant Classification Sherloc (09022015). Collection method: clinical testing. Allele origin: germline.

Mayo Clinic Laboratories, Mayo Clinic
Classification: Likely benign. Last evaluated: 2025-06-04. Review status: criteria provided, single submitter. Criteria: ACMG Guidelines, 2015. Collection method: clinical testing. Allele origin: germline. Observed: 1 variant allele.
Comment: BP4, BP7

Blueprint Genetics
Classification: Likely benign. Last evaluated: 2023-05-22. Review status: criteria provided, single submitter. Criteria: ACMG Guidelines, 2015. Collection method: clinical testing. Allele origin: germline.

GeneDx
Classification: Likely benign. Last evaluated: 2019-08-06. Review status: criteria provided, single submitter. Criteria: GeneDx Variant Classification Process June 2021. Collection method: clinical testing. Allele origin: germline. Affected: yes.